The following is an entry in ClinVar:

ClinVar aggregate classification (germline): Uncertain significance (1 of 4 stars; one submission).

Submission:

GeneDx
Classification: Uncertain significance. Last evaluated: 2023-07-26. Review status: criteria provided, single submitter. Criteria: GeneDx Variant Classification Process June 2021. Collection method: clinical testing. Allele origin: germline. Affected: yes.
Comment: Not observed at significant frequency in large population cohorts (gnomAD); In silico analysis supports that this missense variant does not alter protein structure/function; Has not been previously published as pathogenic or benign to our knowledge; In silico analysis suggests this variant may impact gene splicing. In the absence of RNA/functional studies, the actual effect of this sequence change is unknown.

NM_015021.3(ZNF292):c.4746T>A (p.Asn1582Lys)

Gene: ZNF292 (zinc finger protein 292; plus strand). Cytogenetic location: 6q14.3.
Variant type: single nucleotide variant.
Coding change: c.4746T>A on transcript NM_015021.3 (MANE Select); coding-DNA position 4746, T replaced by A.
Protein change: p.Asn1582Lys; replaces asparagine 1582 with lysine.
Molecular consequence: missense variant.
Genome position (GRCh38, 1-based): chr6:87,258,375, T>A. VCF-style: chr6-87258375-T-A. GRCh37 (hg19) VCF-style: chr6-87968093-T-A.
Other names: c.4326T>A, p.Asn1442Lys (NM_001351444.2); short protein forms N1442K, N1582K.
Identifiers: ClinVar variation 3361489 (VCV003361489.1).